The following is an entry in ClinVar:

ClinVar aggregate classification (germline): Likely benign (1 of 4 stars; one submission).

gnomAD v4.1: 723 of 1,614,108 alleles (0.045%); highest among the groups gnomAD compares: Admixed American, 1.1%; 6 homozygotes.

Submission:

Mayo Clinic Laboratories, Mayo Clinic
Classification: Likely benign. Last evaluated: 2024-12-27. Review status: criteria provided, single submitter. Criteria: ACMG Guidelines, 2015. Collection method: clinical testing. Allele origin: germline. Observed: 1 variant allele.
Comment: BS1, BS2_supporting, PP3, PM1_supporting

NM_005845.5(ABCC4):c.2698G>T (p.Val900Leu)

Gene: ABCC4 (ATP binding cassette subfamily C member 4 (PEL blood group); minus strand). Cytogenetic location: 13q32.1.
Variant type: single nucleotide variant.
Coding change: c.2698G>T on transcript NM_005845.5 (MANE Select); coding-DNA position 2698, G replaced by T.
Protein change: p.Val900Leu; replaces valine 900 with leucine.
Molecular consequence: missense variant.
Genome position (GRCh38, 1-based): chr13:95,075,540, C>A on the plus strand (G>T on the coding strand, the complement: ABCC4 is on the minus strand). VCF-style: chr13-95075540-C-A. GRCh37 (hg19) VCF-style: chr13-95727794-C-A.
Other names: p.Val900Leu; c.2557G>T, p.Val853Leu (NM_001301829.2); short protein forms V853L, V900L.
Identifiers: ClinVar variation 4683812 (VCV004683812.1).